The following is an entry in ClinVar:

ClinVar aggregate classification (germline): Uncertain significance. Review status: criteria provided, multiple submitters, no conflicts (2 of 4 stars). 2 submissions from 2 submitters: Uncertain significance (2). Last evaluated 2025-03-21.

Conditions:
Perry syndrome. Also called: PARKINSONISM WITH ALVEOLAR HYPOVENTILATION AND MENTAL DEPRESSION. Identifiers: Orphanet 178509, MedGen C1868594, MONDO:0008201, OMIM 168605.
Amyotrophic lateral sclerosis type 1 (ALS1). Also called: AMYOTROPHIC LATERAL SCLEROSIS 1, FAMILIAL. Identifiers: Orphanet 803, MedGen C1862939, MONDO:0007103, OMIM 105400.
Neuronopathy, distal hereditary motor, type 7B. Also called: HMN VIIB; LOWER MOTOR NEURON DISEASE, DYNACTIN TYPE; Distal Hereditary Motor Neuronopathy Type 7B (dHMN7B); NEURONOPATHY, DISTAL HEREDITARY MOTOR, AUTOSOMAL DOMINANT 14; NEURONOPATHY, DISTAL HEREDITARY MOTOR, HARDING TYPE VIIB; NEUROPATHY, DISTAL HEREDITARY MOTOR, HARDING TYPE VIIB. Identifiers: Orphanet 139589, MedGen C1843315, MONDO:0011879, OMIM 607641.

Allele frequency attached by ClinVar (database versions not stated): TOPMed below 0.00001.
gnomAD v4.1: 2 of 1,614,056 alleles (0.00012%); highest among the groups gnomAD compares: Non-Finnish European, 0.00017%; no homozygotes.

Submissions (2):

GeneDx
Classification: Uncertain significance. Last evaluated: 2025-03-21. Review status: criteria provided, single submitter. Criteria: GeneDx Variant Classification Process June 2021. Collection method: clinical testing. Allele origin: germline. Affected: yes.
Comment: Not observed at significant frequency in large population cohorts (gnomAD); In silico analysis indicates that this missense variant does not alter protein structure/function; Has not been previously published as pathogenic or benign to our knowledge

Labcorp Genetics (formerly Invitae), Labcorp
Classification: Uncertain significance for Amyotrophic lateral sclerosis type 1; Neuronopathy, distal hereditary motor, type 7B; Perry syndrome. Last evaluated: 2022-05-22. Review status: criteria provided, single submitter. Criteria: Invitae Variant Classification Sherloc (09022015). Collection method: clinical testing. Allele origin: germline.
Comment: In summary, the available evidence is currently insufficient to determine the role of this variant in disease. Therefore, it has been classified as a Variant of Uncertain Significance. Algorithms developed to predict the effect of missense changes on protein structure and function (SIFT, PolyPhen-2, Align-GVGD) all suggest that this variant is likely to be tolerated. This variant has not been reported in the literature in individuals affected with DCTN1-related conditions. This variant is not present in population databases (gnomAD no frequency). This sequence change replaces threonine, which is neutral and polar, with serine, which is neutral and polar, at codon 145 of the DCTN1 protein (p.Thr145Ser).

NM_004082.5(DCTN1):c.434C>G (p.Thr145Ser)

Gene: DCTN1 (dynactin subunit 1; minus strand). Cytogenetic location: 2p13.1.
Variant type: single nucleotide variant.
Coding change: c.434C>G on transcript NM_004082.5 (MANE Select); coding-DNA position 434, C replaced by G.
Protein change: p.Thr145Ser; replaces threonine 145 with serine.
Molecular consequence: missense variant. On other transcripts: intron variant (2).
Genome position (GRCh38, 1-based): chr2:74,372,947, G>C on the plus strand (C>G on the coding strand, the complement: DCTN1 is on the minus strand). VCF-style: chr2-74372947-G-C. GRCh37 (hg19) VCF-style: chr2-74600074-G-C.
Other names: c.32C>G, p.Thr11Ser (NM_001135041.3, NM_023019.4); c.413C>G, p.Thr138Ser (NM_001190837.2); c.383C>G, p.Thr128Ser (NM_001378991.1); c.365C>G, p.Thr122Ser (NM_001378992.1); c.343-1219C>G (NM_001190836.2); c.394-1219C>G (NM_001135040.3); short protein forms T11S, T145S, T122S, T128S, T138S.
Identifiers: ClinVar variation 2067140 (VCV002067140.5), dbSNP rs1017487221, ClinGen allele CA347369669.